The following is an entry in ClinVar:

NM_000276.4(OCRL):c.94C>G (p.Leu32Val)

Gene: OCRL (OCRL inositol polyphosphate-5-phosphatase; plus strand). Cytogenetic location: Xq26.1.
Variant type: single nucleotide variant.
Coding change: c.94C>G on transcript NM_000276.4 (MANE Select); coding-DNA position 94, C replaced by G.
Protein change: p.Leu32Val; replaces leucine 32 with valine.
Molecular consequence: missense variant.
Genome position (GRCh38, 1-based): chrX:129,540,798, C>G. VCF-style: chrX-129540798-C-G. GRCh37 (hg19) VCF-style: chrX-128674775-C-G.
Other names: c.97C>G, p.Leu33Val (NM_001318784.2); c.94C>G, p.Leu32Val (NM_001587.4); short protein forms L32V, L33V.
Identifiers: ClinVar variation 3702302 (VCV003702302.2).

ClinVar aggregate classification (germline): Uncertain significance (1 of 4 stars; one submission).

Conditions:
Lowe syndrome (OCRL). Also called: LOWE OCULOCEREBRORENAL SYNDROME; PHOSPHATIDYLINOSITOL 4,5-BISPHOSPHATE 5-PHOSPHATASE DEFICIENCY; Oculocerebrorenal Syndrome. Identifiers: Orphanet 534, MedGen C0028860, MONDO:0010645, OMIM 309000.

gnomAD v4.1: 1 of 1,209,209 alleles (0.000083%); highest among the groups gnomAD compares: Admixed American, 0.0022%; no homozygotes.

Submission:

Labcorp Genetics (formerly Invitae), Labcorp
Classification: Uncertain significance for Lowe syndrome. Last evaluated: 2024-11-26. Review status: criteria provided, single submitter. Criteria: Invitae Variant Classification Sherloc (09022015). Collection method: clinical testing. Allele origin: germline.
Comment: This sequence change replaces leucine, which is neutral and non-polar, with valine, which is neutral and non-polar, at codon 32 of the OCRL protein (p.Leu32Val). This variant is not present in population databases (gnomAD no frequency). This variant has not been reported in the literature in individuals affected with OCRL-related conditions. Invitae Evidence Modeling of protein sequence and biophysical properties (such as structural, functional, and spatial information, amino acid conservation, physicochemical variation, residue mobility, and thermodynamic stability) indicates that this missense variant is not expected to disrupt OCRL protein function with a negative predictive value of 95%. In summary, the available evidence is currently insufficient to determine the role of this variant in disease. Therefore, it has been classified as a Variant of Uncertain Significance.